The following continues an entry in ClinVar:

NM_000303.3(PMM2):c.722G>C (p.Cys241Ser)

Gene: PMM2. ClinVar aggregate classification (germline): Pathogenic/Likely pathogenic. Pathogenic (18); Likely pathogenic (1).

Submissions 13 to 24 of 24:

Genetic Services Laboratory, University of Chicago
Classification: Pathogenic. Last evaluated: 2019-07-31. Review status: criteria provided, single submitter. Criteria: ACMG Guidelines, 2015. Collection method: clinical testing. Allele origin: germline. Affected: yes.
Comment: DNA sequence analysis of the PMM2 gene demonstrated a sequence change, c.722G>C, in exon 8 that results in an amino acid change, p.Cys241Ser. This sequence change has been described in the gnomAD database with a frequency of 0.06% in the African population (dbSNP rs80338709). The p.Cys241Ser change has been described in the compound heterozygous state with a second pathogenic mutation in multiple individuals with a mild form of congenital disorder of glycosylation type Ia (CDG Ia) (PMIDs 11715002, 21541725, 28425223, 28566178, 22012410, 10527672). Functional analyses have demonstrated that the p.Cys241Ser change affects folding of the PMM2 protein, leading to abnormal protein aggregation and intermediate residual PMM2 activity (PMIDs 26014514, 21541725). The p.Cys241Ser change affects a moderately conserved amino acid residue located in a domain of the PMM2 protein that is known to be functional. The p.Cys241Ser substitution appears to be deleterious using several in-silico pathogenicity prediction tools (SIFT, PolyPhen2, CADD, REVEL).

Fulgent Genetics
Classification: Pathogenic for PMM2-congenital disorder of glycosylation. Last evaluated: 2018-10-31. Review status: criteria provided, single submitter. Criteria: ACMG Guidelines, 2015. Collection method: clinical testing. Allele origin: unknown.

Women's Health and Genetics/Laboratory Corporation of America, LabCorp
Classification: Pathogenic for PMM2-congenital disorder of glycosylation. Last evaluated: 2017-06-26. Review status: criteria provided, single submitter. Criteria: LabCorp Variant Classification Summary - May 2015. Collection method: clinical testing. Allele origin: germline.
Comment: Variant summary: The PMM2 c.722G>C (p.Cys241Ser) variant involves the alteration of a conserved nucleotide. 4/4 in silico tools predict a damaging outcome for this variant (SNPsandGO not captured due to low reliability index). This variant was found in 9/120396 control chromosomes at a frequency of 0.0000748, which does not exceed the estimated maximal expected allele frequency of a pathogenic PMM2 variant (0.0055902). The variant has been reported in numerous CDG1A patients and has been associated with a mild phenotype. Patient fibroblasts (which also carry a second pathogenic variant) show ~30% residual enzyme activity, and functional studies using expression systems also show <30% residual enzyme activity. Multiple clinical diagnostic laboratories/reputable databases classified this variant as pathogenic. Taken together, this variant is classified as pathogenic.

Center for Pediatric Genomic Medicine, Children's Mercy Hospital and Clinics
Classification: Pathogenic. Last evaluated: 2017-04-25. Review status: criteria provided, single submitter. Criteria: ACMG Guidelines, 2015. Collection method: clinical testing. Allele origin: germline.

Ambry Genetics
Classification: Pathogenic for Inborn genetic diseases. Last evaluated: 2016-09-16. Review status: criteria provided, single submitter. Criteria: Ambry exome assertion method (8-5-2015). Collection method: clinical testing. Allele origin: germline. Affected: yes. Observed: 2 variant alleles.

Eurofins Ntd Llc (ga)
Classification: Pathogenic. Last evaluated: 2014-01-03. Review status: criteria provided, single submitter. Criteria: EGL Classification Definitions. Collection method: clinical testing. Allele origin: germline. Observed: 1 variant allele, 1 heterozygote.

CENTOGENE GmbH and LLC - Guiding Precision Medicine
Classification: Pathogenic for PMM2-congenital disorder of glycosylation. Review status: criteria provided, single submitter. Criteria: ACMG Guidelines, 2015. Collection method: clinical testing. Allele origin: germline. Affected: yes.

Counsyl
Classification: Pathogenic for PMM2-congenital disorder of glycosylation. Last evaluated: 2016-10-12. Review status: no assertion criteria provided. Collection method: clinical testing. Allele origin: unknown. Not counted in ClinVar's aggregate classification.

OMIM
Classification: Pathogenic for CONGENITAL DISORDER OF GLYCOSYLATION, TYPE Ia. Last evaluated: 2001-02-01. Review status: no assertion criteria provided. Collection method: literature only. Allele origin: germline. Not counted in ClinVar's aggregate classification.

Clinical Genetics DNA and cytogenetics Diagnostics Lab, Erasmus MC, Erasmus Medical Center
Classification: Pathogenic. Review status: no assertion criteria provided. Collection method: clinical testing. Allele origin: germline. Affected: yes. Study: VKGL Data-share Consensus. Not counted in ClinVar's aggregate classification.

GeneReviews
No classification provided. Condition: PMM2-congenital disorder of glycosylation. Review status: no classification provided. Collection method: literature only. Allele origin: unknown. Not counted in ClinVar's aggregate classification.

Joint Genome Diagnostic Labs from Nijmegen and Maastricht, Radboudumc and MUMC+
Classification: Pathogenic. Review status: no assertion criteria provided. Collection method: clinical testing. Allele origin: germline. Affected: yes. Study: VKGL Data-share Consensus. Not counted in ClinVar's aggregate classification.

Literature cited by the submitters: PubMed 11156536 (cited by 5 submitters); PubMed 11715002 (cited by 8 submitters); PubMed 15844218 (cited by 3 submitters); PubMed 21541725 (cited by 8 submitters); PubMed 25355454 (cited by 3 submitters); PubMed 22012410 (cited by 3 submitters); PubMed 26014514 (cited by 6 submitters); PubMed 28566178 (cited by 3 submitters); PubMed 28425223 (cited by 4 submitters); PubMed 33163565 (cited by Variantyx, Inc.); PubMed 10922383 (cited by 3 submitters); PubMed 10527672 (cited by 5 submitters); PubMed 32860008 (cited by CENTOGENE GmbH and LLC - Guiding Precision Medicine); PubMed 17186415 (cited by Counsyl and GeneReviews); PubMed 17166182 (cited by Counsyl); PubMed 11134235 (cited by GeneReviews); PubMed 20301289 (cited by GeneReviews); NCBI Bookshelf NBK1110 (cited by GeneReviews).